The following is an entry in ClinVar:

NM_001032382.2(PQBP1):c.-16C>T

Genes: PQBP1 (polyglutamine binding protein 1; plus strand), LOC130068256 (ATAC-STARR-seq lymphoblastoid active region 29617; plus strand). Cytogenetic location: Xp11.23.
Variant type: single nucleotide variant.
Coding change: c.-16C>T on transcript NM_001032382.2 (MANE Select); 16 bases upstream of the start codon, C replaced by T.
Molecular consequence: 5 prime UTR variant.
Genome position (GRCh38, 1-based): chrX:48,898,494, C>T. VCF-style: chrX-48898494-C-T. GRCh37 (hg19) VCF-style: chrX-48755777-C-T.
Other names: c.-16C>T (NM_001032381.2, NM_001032383.2, NM_001032384.1 and 5 more transcripts).
Identifiers: ClinVar variation 3769456 (VCV003769456.2).

ClinVar aggregate classification (germline): Uncertain significance (1 of 4 stars; one submission).

gnomAD v4.1: 1 of 1,207,520 alleles (0.000083%); highest among the groups gnomAD compares: Non-Finnish European, 0.00011%; no homozygotes.

Submission:

Women's Health and Genetics/Laboratory Corporation of America, LabCorp
Classification: Uncertain significance. Last evaluated: 2025-01-30. Review status: criteria provided, single submitter. Criteria: LabCorp Variant Classification Summary - May 2015. Collection method: clinical testing. Allele origin: germline.
Comment: Variant summary: PQBP1 c.-16C>T is located in the untranslated mRNA region upstream of the initiation codon. The variant allele was found at a frequency of 8.3e-07 in 1207520 control chromosomes. The available data on variant occurrences in the general population are insufficient to allow any conclusion about variant significance. To our knowledge, no occurrence of c.-16C>T in individuals affected with Renpenning syndrome and no experimental evidence demonstrating its impact on protein function have been reported. No submitters have cited clinical-significance assessments for this variant to ClinVar. Based on the evidence outlined above, the variant was classified as uncertain significance.